The following is an entry in ClinVar:

ClinVar aggregate classification (germline): Uncertain significance (1 of 4 stars; one submission).

Conditions:
Kabuki syndrome. Also called: Kabuki make-up syndrome; NIIKAWA-KUROKI SYNDROME. Identifiers: Orphanet 2322, MedGen C0796004, MONDO:0016512.

Submission:

Labcorp Genetics (formerly Invitae), Labcorp
Classification: Uncertain significance for Kabuki syndrome. Last evaluated: 2023-12-10. Review status: criteria provided, single submitter. Criteria: Invitae Variant Classification Sherloc (09022015). Collection method: clinical testing. Allele origin: germline.
Comment: This sequence change replaces methionine, which is neutral and non-polar, with isoleucine, which is neutral and non-polar, at codon 2211 of the KMT2D protein (p.Met2211Ile). This variant is not present in population databases (gnomAD no frequency). This variant has not been reported in the literature in individuals affected with KMT2D-related conditions. Advanced modeling of protein sequence and biophysical properties (such as structural, functional, and spatial information, amino acid conservation, physicochemical variation, residue mobility, and thermodynamic stability) performed at Invitae indicates that this missense variant is not expected to disrupt KMT2D protein function with a negative predictive value of 95%. In summary, the available evidence is currently insufficient to determine the role of this variant in disease. Therefore, it has been classified as a Variant of Uncertain Significance.

NM_003482.4(KMT2D):c.6633G>A (p.Met2211Ile)

Gene: KMT2D (lysine methyltransferase 2D; minus strand). Cytogenetic location: 12q13.12.
Variant type: single nucleotide variant.
Coding change: c.6633G>A on transcript NM_003482.4 (MANE Select); coding-DNA position 6633, G replaced by A.
Protein change: p.Met2211Ile; replaces methionine 2211 with isoleucine.
Molecular consequence: missense variant.
Genome position (GRCh38, 1-based): chr12:49,041,137, C>T on the plus strand (G>A on the coding strand, the complement: KMT2D is on the minus strand). VCF-style: chr12-49041137-C-T. GRCh37 (hg19) VCF-style: chr12-49434920-C-T.
Other names: short protein forms M2211I.
Identifiers: ClinVar variation 2792102 (VCV002792102.3), dbSNP rs2120542276, ClinGen allele CA384750230.
Genomic context (GRCh38, chr12:49,041,137, plus strand): 5'-AGGTGGGGTAGTGTGGAATTCCCCTGGCTGGCCAGCCCCAGGACGAGATGAGGCGCCCAG[C>T]ATCGGGGGCTGCGCAGGGGCCCCCGTAGGACTAGGATAGGGGGGATAGGTGGGCGGTGCC-3'
Protein context (NP_003473.3, residues 2201-2221): SPTGAPAQPP[Met2211Ile]LGASSRPGAG